The following is an entry in ClinVar:

ClinVar aggregate classification (germline): Uncertain significance (1 of 4 stars; one submission).

Submission:

GeneDx
Classification: Uncertain significance. Last evaluated: 2026-01-13. Review status: criteria provided, single submitter. Criteria: GeneDx Variant Classification Process June 2021. Collection method: clinical testing. Allele origin: germline.
Comment: Not observed at significant frequency in large population cohorts (gnomAD); In silico analysis supports a deleterious effect on protein structure/function; Has not been previously published as pathogenic or benign to our knowledge

NM_000548.5(TSC2):c.2264_2265delinsGC (p.Glu755Gly)

Gene: TSC2 (TSC complex subunit 2; plus strand). Cytogenetic location: 16p13.3.
Variant type: Indel.
Coding change: c.2264_2265delinsGC on transcript NM_000548.5 (MANE Select); coding-DNA positions 2264 to 2265, AA replaced by GC.
Protein change: p.Glu755Gly; replaces glutamic acid 755 with glycine.
Molecular consequence: missense variant. On other transcripts: non-coding transcript variant (5).
Genome position (GRCh38, 1-based): chr16:2,072,892-2,072,893, AA replaced by GC. VCF-style: chr16-2072892-AA-GC. GRCh37 (hg19) VCF-style: chr16-2122893-AA-GC.
Other names: c.2264_2265delAAinsGC, p.Glu755Gly (NM_000548.3); c.2264_2265delinsGC, p.Glu755Gly (NM_001077183.3, NM_001114382.3, NM_001363528.2 and 6 more transcripts); c.2153_2154delinsGC, p.Glu718Gly (NM_001318827.2, NM_001406670.1, NM_001406678.1); c.2117_2118delinsGC, p.Glu706Gly (NM_001318829.2, NM_001406675.1, NM_001406676.1 and 1 more transcripts); c.1664_1665delinsGC, p.Glu555Gly (NM_001318831.2, NM_001406680.1, NM_001406682.1 and 6 more transcripts); c.2297_2298delinsGC, p.Glu766Gly (NM_001318832.2); c.2354_2355delinsGC, p.Glu785Gly (NM_001406667.1, NM_001406668.1); c.2252_2253delinsGC, p.Glu751Gly (NM_001406671.1, NM_001406673.1); and 4 more; short protein forms E221G, E307G, E555G, E601G, E706G, E718G, E736G, E751G.
Identifiers: ClinVar variation 2500394 (VCV002500394.2), dbSNP rs2543764175, ClinGen allele CA2580090822.
Genomic context (GRCh38, chr16:2,072,892, plus strand): 5'-CTGGATTTGGTCATCAGCTTTCAGGCCCAAAGACACTGGAGCGGCTCCGAGGCGCCCCAG[AA>GC]GGCTTCTCCAGAACTGACTTGCACCTGGCCGTGGTTCCAGTGCTGACAGCATTAATCTCT-3'
Protein context (NP_000539.2, residues 745-765): KTLERLRGAP[Glu755Gly]GFSRTDLHLA